The following is an entry in ClinVar:

ClinVar aggregate classification (germline): Uncertain significance (1 of 4 stars; one submission).

Conditions:
Neuropathy, hereditary sensory and autonomic, type 2A (HSAN2A). Also called: ACROOSTEOLYSIS, GIACCAI TYPE; ACROOSTEOLYSIS, NEUROGENIC; MORVAN DISEASE; NEUROPATHY, CONGENITAL SENSORY; NEUROPATHY, HEREDITARY SENSORY RADICULAR, AUTOSOMAL RECESSIVE; NEUROPATHY, HEREDITARY SENSORY, TYPE IIA. Identifiers: Orphanet 970, MedGen C2752089, MONDO:0024309, OMIM 201300.
Pseudohypoaldosteronism type 2C (PHA2C). Also called: Pseudohypoaldosteronism Type IIC. Identifiers: Orphanet 757, Orphanet 88940, MedGen C1840391, MONDO:0013778, OMIM 614492.

gnomAD v4.1: 1 of 1,614,116 alleles (0.000062%); highest among the groups gnomAD compares: Non-Finnish European, 0.000085%; no homozygotes.

Submission:

Labcorp Genetics (formerly Invitae), Labcorp
Classification: Uncertain significance for Neuropathy, hereditary sensory and autonomic, type 2A; Pseudohypoaldosteronism type 2C. Last evaluated: 2024-02-09. Review status: criteria provided, single submitter. Criteria: Invitae Variant Classification Sherloc (09022015). Collection method: clinical testing. Allele origin: germline.
Comment: This sequence change replaces proline, which is neutral and non-polar, with leucine, which is neutral and non-polar, at codon 2085 of the WNK1 protein (p.Pro2085Leu). This variant is not present in population databases (gnomAD no frequency). This variant has not been reported in the literature in individuals affected with WNK1-related conditions. Advanced modeling of protein sequence and biophysical properties (such as structural, functional, and spatial information, amino acid conservation, physicochemical variation, residue mobility, and thermodynamic stability) performed at Invitae indicates that this missense variant is not expected to disrupt WNK1 protein function with a negative predictive value of 95%. In summary, the available evidence is currently insufficient to determine the role of this variant in disease. Therefore, it has been classified as a Variant of Uncertain Significance.

NM_018979.4(WNK1):c.5498C>T (p.Pro1833Leu)

Gene: WNK1 (WNK lysine deficient protein kinase 1; plus strand). Cytogenetic location: 12p13.33.
Variant type: single nucleotide variant.
Coding change: c.5498C>T on transcript NM_018979.4 (MANE Select); coding-DNA position 5498, C replaced by T.
Protein change: p.Pro1833Leu; replaces proline 1833 with leucine.
Molecular consequence: missense variant.
Genome position (GRCh38, 1-based): chr12:890,502, C>T. VCF-style: chr12-890502-C-T. GRCh37 (hg19) VCF-style: chr12-999668-C-T.
Other names: c.6278C>T, p.Pro2093Leu (NM_001184985.2); c.4757C>T, p.Pro1586Leu (NM_014823.3); c.6254C>T, p.Pro2085Leu (NM_213655.5); short protein forms P1586L, P1833L, P2085L, P2093L.
Identifiers: ClinVar variation 3757719 (VCV003757719.2).